The following is an entry in ClinVar:

ClinVar aggregate classification (germline): Uncertain significance (1 of 4 stars; one submission).

Conditions:
Inborn genetic diseases. Identifiers: MedGen C0950123, MeSH D030342.

Allele frequency attached by ClinVar (database versions not stated): TOPMed below 0.00001; gnomAD 0.00001; gnomAD exomes 0.00001.
gnomAD v4.1: 18 of 1,607,166 alleles (0.0011%); highest among the groups gnomAD compares: Non-Finnish European, 0.0015%; no homozygotes.

Submission:

Ambry Genetics
Classification: Uncertain significance for Inborn genetic diseases. Last evaluated: 2023-11-24. Review status: criteria provided, single submitter. Criteria: Ambry Variant Classification Scheme 2023. Collection method: clinical testing. Allele origin: germline.
Comment: The p.Q650E variant (also known as c.1948C>G), located in coding exon 17 of the LRRK2 gene, results from a C to G substitution at nucleotide position 1948. The glutamine at codon 650 is replaced by glutamic acid, an amino acid with highly similar properties. This amino acid position is conserved. In addition, this alteration is predicted to be tolerated by in silico analysis. Since supporting evidence is limited at this time, the clinical significance of this alteration remains unclear.

NM_198578.4(LRRK2):c.1948C>G (p.Gln650Glu)

Gene: LRRK2 (leucine rich repeat kinase 2; plus strand). Cytogenetic location: 12q12.
Variant type: single nucleotide variant.
Coding change: c.1948C>G on transcript NM_198578.4 (MANE Select); coding-DNA position 1948, C replaced by G.
Protein change: p.Gln650Glu; replaces glutamine 650 with glutamic acid.
Molecular consequence: missense variant.
Genome position (GRCh38, 1-based): chr12:40,277,894, C>G. VCF-style: chr12-40277894-C-G. GRCh37 (hg19) VCF-style: chr12-40671696-C-G.
Other names: short protein forms Q650E.
Identifiers: ClinVar variation 1783158 (VCV001783158.2), dbSNP rs1201491934, ClinGen allele CA384404364.